The following is an entry in ClinVar:

NM_007286.6(SYNPO):c.163C>A (p.Pro55Thr)

Gene: SYNPO (synaptopodin; plus strand). Cytogenetic location: 5q33.1.
Variant type: single nucleotide variant.
Coding change: c.163C>A on transcript NM_007286.6 (MANE Select); coding-DNA position 163, C replaced by A.
Protein change: p.Pro55Thr; replaces proline 55 with threonine.
Molecular consequence: missense variant.
Genome position (GRCh38, 1-based): chr5:150,648,438, C>A. VCF-style: chr5-150648438-C-A. GRCh37 (hg19) VCF-style: chr5-150028000-C-A.
Other names: c.163C>A, p.Pro55Thr (NM_001109974.3); c.895C>A, p.Pro299Thr (NM_001166208.2, NM_001166209.2); short protein forms P299T, P55T.
Identifiers: ClinVar variation 4804768 (VCV004804768.1).
Genomic context (GRCh38, chr5:150,648,438, plus strand): 5'-GCACTGCTGACAGCCAATGGGCTGCACCTGTCCCAAAACCGAGAGGCCCAGCAGTCCTCA[C>A]CGGCCCCACCTCCAGCTGAGGTCCACAGCCCAGCTGCAGATGTCAACCAAAACCTTGCCT-3'
Protein context (NP_009217.3, residues 45-65): SQNREAQQSS[Pro55Thr]APPPAEVHSP

ClinVar aggregate classification (germline): Uncertain significance (1 of 4 stars; one submission).

Submission:

Labcorp Genetics (formerly Invitae), Labcorp
Classification: Uncertain significance. Last evaluated: 2025-04-07. Review status: criteria provided, single submitter. Criteria: Invitae Variant Classification Sherloc (09022015). Collection method: clinical testing. Allele origin: germline.
Comment: This sequence change replaces proline, which is neutral and non-polar, with threonine, which is neutral and polar, at codon 55 of the SYNPO protein (p.Pro55Thr). This variant is not present in population databases (gnomAD no frequency). This variant has not been reported in the literature in individuals affected with SYNPO-related conditions. An algorithm developed to predict the effect of missense changes on protein structure and function (PolyPhen-2) suggests that this variant is likely to be tolerated. In summary, the available evidence is currently insufficient to determine the role of this variant in disease. Therefore, it has been classified as a Variant of Uncertain Significance.